The following is an entry in ClinVar:

ClinVar aggregate classification (germline): Uncertain significance. Review status: criteria provided, multiple submitters, no conflicts (2 of 4 stars). 2 submissions from 2 submitters: Uncertain significance (2). Last evaluated 2024-10-15.

Conditions:
Emery-Dreifuss muscular dystrophy (EDMD). Also called: Scapuloperoneal syndrome, X-linked (formerly); Humeroperoneal neuromuscular disease, (formerly). Identifiers: Orphanet 261, MedGen C0410189, MONDO:0016830.

Allele frequency attached by ClinVar (database versions not stated): ExAC 0.00001; gnomAD 0.00001; TOPMed 0.00002; gnomAD exomes 0.00003; 1000 Genomes Project 30x 0.00016; 1000 Genomes Project 0.00020.
gnomAD v4.1: 12 of 1,614,094 alleles (0.00074%); highest among the groups gnomAD compares: East Asian, 0.022%; no homozygotes.

Submissions (2):

Labcorp Genetics (formerly Invitae), Labcorp
Classification: Uncertain significance for Emery-Dreifuss muscular dystrophy. Last evaluated: 2024-10-15. Review status: criteria provided, single submitter. Criteria: Invitae Variant Classification Sherloc (09022015). Collection method: clinical testing. Allele origin: germline.
Comment: This sequence change replaces threonine, which is neutral and polar, with serine, which is neutral and polar, at codon 272 of the SUN1 protein (p.Thr272Ser). This variant is present in population databases (rs565641706, gnomAD 0.05%). This variant has not been reported in the literature in individuals affected with SUN1-related conditions. ClinVar contains an entry for this variant (Variation ID: 1040285). An algorithm developed to predict the effect of missense changes on protein structure and function (PolyPhen-2) suggests that this variant is likely to be disruptive. Algorithms developed to predict the effect of sequence changes on RNA splicing suggest that this variant may disrupt the consensus splice site. In summary, the available evidence is currently insufficient to determine the role of this variant in disease. Therefore, it has been classified as a Variant of Uncertain Significance.

Ambry Genetics
Classification: Uncertain significance. Last evaluated: 2024-03-15. Review status: criteria provided, single submitter. Criteria: Ambry Variant Classification Scheme 2023. Collection method: clinical testing. Allele origin: germline.

NM_001130965.3(SUN1):c.815C>G (p.Thr272Ser)

Gene: SUN1 (Sad1 and UNC84 domain containing 1; plus strand). Cytogenetic location: 7p22.3.
Variant type: single nucleotide variant.
Coding change: c.815C>G on transcript NM_001130965.3 (MANE Select); coding-DNA position 815, C replaced by G.
Protein change: p.Thr272Ser; replaces threonine 272 with serine.
Molecular consequence: missense variant. On other transcripts: nonsense (1), non-coding transcript variant (3).
Genome position (GRCh38, 1-based): chr7:852,007, C>G. VCF-style: chr7-852007-C-G. GRCh37 (hg19) VCF-style: chr7-891644-C-G.
Other names: c.815C>G, p.Thr272Ser (NM_001367665.1, NM_001367634.1, NM_001367633.1 and 3 more transcripts); c.1058C>G, p.Thr353Ser (NM_001367666.1, NM_001367636.1, NM_001367655.1 and 1 more transcripts); c.776C>G, p.Thr259Ser (NM_001367667.1, NM_001367645.1, NM_001367679.1 and 1 more transcripts); c.998C>G, p.Thr333Ser (NM_001367640.1, NM_001367675.1, NM_001367676.1); c.1097C>G, p.Thr366Ser (NM_001367641.1, NM_001367682.1, NM_001367698.1); c.800C>G, p.Thr267Ser (NM_001367642.1); c.1010C>G, p.Thr337Ser (NM_001367643.1, NM_001367697.1, NM_001367693.1); c.947C>G, p.Thr316Ser (NM_001367646.1, NM_001367706.1, NM_001367673.1); and 25 more; short protein forms T120S, T170S, T250S, T287S, T309S, T325S, T353S, T83S.
Identifiers: ClinVar variation 1040285 (VCV001040285.9), dbSNP rs565641706, ClinGen allele CA4111930.